The following is an entry in ClinVar:

ClinVar aggregate classification (germline): Uncertain significance (1 of 4 stars; one submission).

Submission:

Labcorp Genetics (formerly Invitae), Labcorp
Classification: Uncertain significance. Last evaluated: 2024-09-14. Review status: criteria provided, single submitter. Criteria: Invitae Variant Classification Sherloc (09022015). Collection method: clinical testing. Allele origin: germline.
Comment: This variant, c.479_481del, results in the deletion of 1 amino acid(s) of the GPR45 protein (p.Phe160del), but otherwise preserves the integrity of the reading frame. This variant is present in population databases (rs768006478, gnomAD 0.01%). This variant has not been reported in the literature in individuals affected with GPR45-related conditions. ClinVar contains an entry for this variant (Variation ID: 2078785). Experimental studies and prediction algorithms are not available or were not evaluated, and the functional significance of this variant is currently unknown. In summary, the available evidence is currently insufficient to determine the role of this variant in disease. Therefore, it has been classified as a Variant of Uncertain Significance.

NM_007227.3(GPR45):c.479_481del (p.Phe160del)

Gene: GPR45 (G protein-coupled receptor 45; plus strand). Cytogenetic location: 2q12.1.
Variant type: Deletion.
Coding change: c.479_481del on transcript NM_007227.3 (MANE Select); coding-DNA positions 479 to 481, 3 bases deleted (TCT; older notation c.479_481delTCT).
Protein change: p.Phe160del; deletes phenylalanine 160.
Molecular consequence: inframe deletion.
Genome position (GRCh38, 1-based): chr2:105,242,337-105,242,339, TCT deleted; deleting any 3 consecutive bases within chr2:105,242,335-105,242,339 gives the same sequence; the c. name uses the placement nearest the transcript's 3' end. VCF-style (leftmost placement, unchanged base first): chr2-105242334-CCTT-C. GRCh37 (hg19) VCF-style: chr2-105858791-CCTT-C.
Other names: short protein forms F160del.
Identifiers: ClinVar variation 2078785 (VCV002078785.4), dbSNP rs768006478, ClinGen allele CA1813589.
Genomic context (GRCh38, chr2:105,242,334, plus strand): 5'-GCCAGGACAAGCTGAACCCGCGCAGGGCCAAGGTGATCATCGCGGTCTCCTGGGTGCTGT[CCTT>C]CTGCATCGCGGGGCCCTCGCTCACGGGCTGGACGCTGGTGGAGGTGCCGGCGCGGGCCCC-3'